The following is an entry in ClinVar:

NM_001378454.1(ALMS1):c.12350A>G (p.Gln4117Arg)

Gene: ALMS1 (ALMS1 centrosome and basal body associated protein; plus strand). Cytogenetic location: 2p13.1.
Variant type: single nucleotide variant.
Coding change: c.12350A>G on transcript NM_001378454.1 (MANE Select); coding-DNA position 12350, A replaced by G.
Protein change: p.Gln4117Arg; replaces glutamine 4117 with arginine.
Molecular consequence: missense variant.
Genome position (GRCh38, 1-based): chr2:73,603,292, A>G. VCF-style: chr2-73603292-A-G. GRCh37 (hg19) VCF-style: chr2-73830419-A-G.
Other names: c.12353A>G, p.Gln4118Arg (NM_015120.4); short protein forms Q4118R, Q4117R.
Identifiers: ClinVar variation 551661 (VCV000551661.14), dbSNP rs200038446, ClinGen allele CA1715534.

ClinVar aggregate classification (germline): Uncertain significance. Review status: criteria provided, multiple submitters, no conflicts (2 of 4 stars). 8 submissions from 8 submitters: Uncertain significance (6). 2 of the submissions do not count toward it. Last evaluated 2025-05-01.

Conditions:
Cardiovascular phenotype. Identifiers: MedGen CN230736.
Alstrom syndrome (ALMS). Identifiers: Orphanet 64, MedGen C0268425, MONDO:0008763, OMIM 203800.

Allele frequency attached by ClinVar (database versions not stated): ESP Exome Variant Server 0.00023; ExAC 0.00004; gnomAD exomes 0.00004 and 0.00019; gnomAD 0.00005; TOPMed 0.00007.
gnomAD v4.1: 277 of 1,614,030 alleles (0.017%); highest among the groups gnomAD compares: Non-Finnish European, 0.022%; 1 homozygote.

Submissions (8):

GeneDx
Classification: Uncertain significance. Last evaluated: 2025-05-01. Review status: criteria provided, single submitter. Criteria: GeneDx Variant Classification Process June 2021. Collection method: clinical testing. Allele origin: germline. Affected: yes.
Comment: Not observed at significant frequency in large population cohorts (gnomAD); In silico analysis suggests that this missense variant does not alter protein structure/function; Has not been previously published as pathogenic or benign to our knowledge

Women's Health and Genetics/Laboratory Corporation of America, LabCorp
Classification: Uncertain significance. Last evaluated: 2024-10-27. Review status: criteria provided, single submitter. Criteria: LabCorp Variant Classification Summary - May 2015. Collection method: clinical testing. Allele origin: germline.

Ambry Genetics
Classification: Uncertain significance for Cardiovascular phenotype. Last evaluated: 2024-06-26. Review status: criteria provided, single submitter. Criteria: Ambry Variant Classification Scheme 2023. Collection method: clinical testing. Allele origin: germline.
Comment: The p.Q4118R variant (also known as c.12353A>G), located in coding exon 21 of the ALMS1 gene, results from an A to G substitution at nucleotide position 12353. The glutamine at codon 4118 is replaced by arginine, an amino acid with highly similar properties. This amino acid position is well conserved in available vertebrate species. In addition, the in silico prediction for this alteration is inconclusive. Based on the available evidence, the clinical significance of this variant remains unclear.

Blueprint Genetics
Classification: Uncertain significance. Last evaluated: 2023-08-02. Review status: criteria provided, single submitter. Criteria: ACMG Guidelines, 2015. Collection method: clinical testing. Allele origin: germline.

Labcorp Genetics (formerly Invitae), Labcorp
Classification: Uncertain significance for Alstrom syndrome. Last evaluated: 2022-10-25. Review status: criteria provided, single submitter. Criteria: Invitae Variant Classification Sherloc (09022015). Collection method: clinical testing. Allele origin: germline.
Comment: This sequence change replaces glutamine, which is neutral and polar, with arginine, which is basic and polar, at codon 4118 of the ALMS1 protein (p.Gln4118Arg). This variant is present in population databases (rs200038446, gnomAD 0.01%). This variant has not been reported in the literature in individuals affected with ALMS1-related conditions. ClinVar contains an entry for this variant (Variation ID: 551661). Experimental studies and prediction algorithms are not available or were not evaluated, and the functional significance of this variant is currently unknown. In summary, the available evidence is currently insufficient to determine the role of this variant in disease. Therefore, it has been classified as a Variant of Uncertain Significance.

Fulgent Genetics
Classification: Uncertain significance for Alstrom syndrome. Last evaluated: 2022-05-18. Review status: criteria provided, single submitter. Criteria: ACMG Guidelines, 2015. Collection method: clinical testing. Allele origin: unknown.

Natera, Inc.
Classification: Uncertain significance for Alstrom syndrome. Last evaluated: 2019-10-28. Review status: no assertion criteria provided. Collection method: clinical testing. Allele origin: germline. Not counted in ClinVar's aggregate classification.

Counsyl
Classification: Uncertain significance for Alstrom syndrome. Last evaluated: 2017-05-04. Review status: no assertion criteria provided. Collection method: clinical testing. Allele origin: unknown. Not counted in ClinVar's aggregate classification.